The following is an entry in ClinVar:

ClinVar aggregate classification (germline): Likely pathogenic (1 of 4 stars; one submission).

Conditions:
Usher syndrome type 2A. Also called: RETINAL DISEASE IN USHER SYNDROME TYPE IIA, MODIFIER OF; USHER SYNDROME, TYPE IIA. Identifiers: Orphanet 231178, Orphanet 886, MedGen C1848634, MONDO:0010169, OMIM 276901.

Submission:

Natera, Inc.
Classification: Likely pathogenic for Usher syndrome type 2A. Last evaluated: 2025-01-12. Review status: criteria provided, single submitter. Criteria: Natera Variant Classification Schema (03/2026). Collection method: clinical testing. Allele origin: germline.
Comment: The c.3988G>T variant in USH2A is a nonsense variant predicted to introduce a stop codon at amino acid 1330. This variant is expected to result in nonsense mediated decay, truncation, or a dysfunctional protein product. This variant is rare in the general population with a frequency below the threshold expected for the associated phenotype(s). Given the available evidence, this variant is classified as Likely Pathogenic.

NM_206933.4(USH2A):c.3988G>T (p.Glu1330Ter)

Genes: USH2A (usherin; minus strand), USH2A-AS1 (USH2A antisense RNA 1; plus strand). Cytogenetic location: 1q41.
Variant type: single nucleotide variant.
Coding change: c.3988G>T on transcript NM_206933.4 (MANE Select); coding-DNA position 3988, G replaced by T.
Protein change: p.Glu1330Ter; replaces glutamic acid 1330 with a stop codon.
Molecular consequence: nonsense.
Genome position (GRCh38, 1-based): chr1:216,198,408, C>A on the plus strand (G>T on the coding strand, the complement: USH2A is on the minus strand). VCF-style: chr1-216198408-C-A. GRCh37 (hg19) VCF-style: chr1-216371750-C-A.
Other names: c.3988G>T, p.Glu1330Ter (NM_007123.6); short protein forms E1330*.
Identifiers: ClinVar variation 4062874 (VCV004062874.2).